The following is an entry in ClinVar:

NM_000094.4(COL7A1):c.6607del (p.Ser2203fs)

Gene: COL7A1 (collagen type VII alpha 1 chain; minus strand). Cytogenetic location: 3p21.31.
Variant type: Deletion.
Coding change: c.6607del on transcript NM_000094.4 (MANE Select); coding-DNA position 6607, one base deleted (T; older notation c.6607delT).
Protein change: p.Ser2203fs; shifts the reading frame from serine 2203.
Molecular consequence: frameshift variant.
Genome position (GRCh38, 1-based): chr3:48,573,524, A deleted on the plus strand (T on the coding strand, the reverse complement: COL7A1 is on the minus strand); the first of 2 consecutive A bases (chr3:48,573,524-48,573,525); deleting either gives the same sequence. VCF-style (leftmost placement, unchanged base first): chr3-48573523-GA-G. GRCh37 (hg19) VCF-style: chr3-48610956-GA-G.
Other names: short protein forms S2203fs.
Identifiers: ClinVar variation 2859430 (VCV002859430.3), dbSNP rs2530925634, ClinGen allele CA2739278460.

ClinVar aggregate classification (germline): Pathogenic (1 of 4 stars; one submission).

Submission:

Labcorp Genetics (formerly Invitae), Labcorp
Classification: Pathogenic. Last evaluated: 2023-04-26. Review status: criteria provided, single submitter. Criteria: Invitae Variant Classification Sherloc (09022015). Collection method: clinical testing. Allele origin: germline.
Comment: For these reasons, this variant has been classified as Pathogenic. This variant has not been reported in the literature in individuals affected with COL7A1-related conditions. This variant is not present in population databases (gnomAD no frequency). This sequence change creates a premature translational stop signal (p.Ser2203Leufs*3) in the COL7A1 gene. It is expected to result in an absent or disrupted protein product. Loss-of-function variants in COL7A1 are known to be pathogenic (PMID: 16971478).

Literature cited by the submitters: PubMed 16971478.